The following is an entry in ClinVar:

NM_001270.4(CHD1):c.2556_2557dup (p.Glu853fs)

Gene: CHD1 (chromodomain helicase DNA binding protein 1; minus strand). Cytogenetic location: 5q15.
Variant type: Duplication.
Coding change: c.2556_2557dup on transcript NM_001270.4 (MANE Select); coding-DNA positions 2556 to 2557, 2 bases duplicated (TG; older notation c.2556_2557dupTG).
Protein change: p.Glu853fs; shifts the reading frame from glutamic acid 853.
Molecular consequence: frameshift variant. On other transcripts: non-coding transcript variant (2).
Genome position (GRCh38, 1-based): chr5:98,885,589-98,885,590, CA duplicated on the plus strand (TG on the coding strand, the reverse complement: CHD1 is on the minus strand). VCF-style (leftmost placement, unchanged base first): chr5-98885588-T-TCA. GRCh37 (hg19) VCF-style: chr5-98221292-T-TCA.
Other names: c.2556_2557dup, p.Glu853fs (NM_001364113.3, NM_001376194.2); short protein forms E853fs.
Identifiers: ClinVar variation 5018376 (VCV005018376.1).

ClinVar aggregate classification (germline): Uncertain significance (1 of 4 stars; one submission).

Submission:

GeneDx
Classification: Uncertain significance. Last evaluated: 2026-04-08. Review status: criteria provided, single submitter. Criteria: GeneDx Variant Classification Process June 2021. Collection method: clinical testing. Allele origin: germline.
Comment: Not observed at significant frequency in large population cohorts (gnomAD); Frameshift variant predicted to result in protein truncation or nonsense mediated decay in a gene or region of a gene for which loss of function is not a well-established mechanism of disease; Has not been previously published as pathogenic or benign to our knowledge